The following is an entry in ClinVar:

NM_002336.3(LRP6):c.3391C>G (p.Leu1131Val)

Gene: LRP6 (LDL receptor related protein 6; minus strand). Cytogenetic location: 12p13.2.
Variant type: single nucleotide variant.
Coding change: c.3391C>G on transcript NM_002336.3 (MANE Select); coding-DNA position 3391, C replaced by G.
Protein change: p.Leu1131Val; replaces leucine 1131 with valine.
Molecular consequence: missense variant. On other transcripts: non-coding transcript variant (1).
Genome position (GRCh38, 1-based): chr12:12,147,372, G>C on the plus strand (C>G on the coding strand, the complement: LRP6 is on the minus strand). VCF-style: chr12-12147372-G-C. GRCh37 (hg19) VCF-style: chr12-12300306-G-C.
Other names: c.2884C>G, p.Leu962Val (NM_001414255.1); c.3391C>G, p.Leu1131Val (NM_001414244.1, NM_001414245.1, NM_001414246.1 and 4 more transcripts); c.3193C>G, p.Leu1065Val (NM_001414247.1); c.2938C>G, p.Leu980Val (NM_001414252.1, NM_001414253.1, NM_001414254.1); short protein forms L980V, L962V, L1131V, L1065V.
Identifiers: ClinVar variation 2908693 (VCV002908693.3), dbSNP rs1158887527, ClinGen allele CA383940672.

ClinVar aggregate classification (germline): Uncertain significance (1 of 4 stars; one submission).

Allele frequency attached by ClinVar (database versions not stated): gnomAD 0.00001.
gnomAD v4.1: 1 of 1,613,996 alleles (0.000062%); highest among the groups gnomAD compares: Admixed American, 0.0017%; no homozygotes.

Submission:

Labcorp Genetics (formerly Invitae), Labcorp
Classification: Uncertain significance. Last evaluated: 2023-07-31. Review status: criteria provided, single submitter. Criteria: Invitae Variant Classification Sherloc (09022015). Collection method: clinical testing. Allele origin: germline.
Comment: This variant is not present in population databases (gnomAD no frequency). This sequence change replaces leucine, which is neutral and non-polar, with valine, which is neutral and non-polar, at codon 1131 of the LRP6 protein (p.Leu1131Val). Advanced modeling of protein sequence and biophysical properties (such as structural, functional, and spatial information, amino acid conservation, physicochemical variation, residue mobility, and thermodynamic stability) performed at Invitae indicates that this missense variant is not expected to disrupt LRP6 protein function. This variant has not been reported in the literature in individuals affected with LRP6-related conditions. In summary, the available evidence is currently insufficient to determine the role of this variant in disease. Therefore, it has been classified as a Variant of Uncertain Significance.